The following is an entry in ClinVar:

ClinVar aggregate classification (germline): Uncertain significance (1 of 4 stars; one submission).

Conditions:
Ataxia-telangiectasia syndrome (AT). Also called: ATAXIA-TELANGIECTASIA, COMPLEMENTATION GROUP A; ATAXIA-TELANGIECTASIA, FRESNO VARIANT; Ataxia-telangiectasia; Ataxia-telangiectasia, complementation group E; LOUIS-BAR SYNDROME; Cerebello-oculocutaneous telangiectasia. Identifiers: Orphanet 100, MedGen C0004135, MONDO:0008840, OMIM 208900.

Allele frequency attached by ClinVar (database versions not stated): gnomAD exomes below 0.00001.
gnomAD v4.1: 1 of 1,613,878 alleles (0.000062%); highest among the groups gnomAD compares: Non-Finnish European, 0.000085%; no homozygotes.

Submission:

Labcorp Genetics (formerly Invitae), Labcorp
Classification: Uncertain significance for Ataxia-telangiectasia syndrome. Last evaluated: 2023-12-22. Review status: criteria provided, single submitter. Criteria: Invitae Variant Classification Sherloc (09022015). Collection method: clinical testing. Allele origin: germline.
Comment: This sequence change replaces valine, which is neutral and non-polar, with phenylalanine, which is neutral and non-polar, at codon 2951 of the ATM protein (p.Val2951Phe). This variant is not present in population databases (gnomAD no frequency). This variant has not been reported in the literature in individuals affected with ATM-related conditions. ClinVar contains an entry for this variant (Variation ID: 2133470). An algorithm developed to predict the effect of missense changes on protein structure and function (PolyPhen-2) suggests that this variant is likely to be disruptive. In summary, the available evidence is currently insufficient to determine the role of this variant in disease. Therefore, it has been classified as a Variant of Uncertain Significance.

NM_000051.4(ATM):c.8851G>T (p.Val2951Phe)

Genes: ATM (ATM serine/threonine kinase; plus strand), C11orf65 (chromosome 11 open reading frame 65; minus strand). Cytogenetic location: 11q22.3.
Variant type: single nucleotide variant.
Coding change: c.8851G>T on transcript NM_000051.4 (MANE Select); coding-DNA position 8851, G replaced by T.
Protein change: p.Val2951Phe; replaces valine 2951 with phenylalanine.
Molecular consequence: missense variant. On other transcripts: intron variant (2).
Genome position (GRCh38, 1-based): chr11:108,365,082, G>T. VCF-style: chr11-108365082-G-T. GRCh37 (hg19) VCF-style: chr11-108235809-G-T.
Other names: c.8851G>T, p.Val2951Phe (NM_001351834.2); c.640+20838C>A (NM_001330368.2); c.694+20838C>A (NM_001351110.2); short protein forms V2951F.
Identifiers: ClinVar variation 2133470 (VCV002133470.3), dbSNP rs1555151205, ClinGen allele CA382529528.